The following is an entry in ClinVar:

ClinVar aggregate classification (germline): Likely benign (1 of 4 stars; one submission).

Allele frequency attached by ClinVar (database versions not stated): gnomAD 0.00002; TOPMed 0.00003; gnomAD exomes 0.00004; ExAC 0.00011.
gnomAD v4.1: 46 of 1,210,349 alleles (0.0038%); highest among the groups gnomAD compares: Non-Finnish European, 0.0049%; no homozygotes.

Submission:

CeGaT Center for Human Genetics Tuebingen
Classification: Likely benign. Last evaluated: 2022-12-01. Review status: criteria provided, single submitter. Criteria: CeGaT Center For Human Genetics Tuebingen Variant Classification Criteria Version 2. Collection method: clinical testing. Allele origin: germline. Affected: yes. Observed: 1 variant allele.
Comment: KLF8: BP4, BP7, BS2

NM_007250.5(KLF8):c.411T>G (p.Thr137=)

Gene: KLF8 (KLF transcription factor 8; plus strand). Cytogenetic location: Xp11.21.
Variant type: single nucleotide variant.
Coding change: c.411T>G on transcript NM_007250.5 (MANE Select); coding-DNA position 411, T replaced by G.
Protein change: p.Thr137=; no amino-acid change (threonine 137 retained).
Molecular consequence: synonymous variant. On other transcripts: non-coding transcript variant (2).
Genome position (GRCh38, 1-based): chrX:56,265,509, T>G. VCF-style: chrX-56265509-T-G. GRCh37 (hg19) VCF-style: chrX-56291942-T-G.
Other names: c.411T>G, p.Thr137= (NM_001159296.2, NM_001324100.1, NM_001324102.1); c.396T>G, p.Thr132= (NM_001324099.1); c.426T>G, p.Thr142= (NM_001324104.1); c.402T>G, p.Thr134= (NM_001324105.1).
Identifiers: ClinVar variation 2660704 (VCV002660704.24), dbSNP rs773889151, ClinGen allele CA10429892.